The following is an entry in ClinVar:

NM_144670.6(A2ML1):c.517G>T (p.Glu173Ter)

Gene: A2ML1 (alpha-2-macroglobulin like 1; plus strand). Cytogenetic location: 12p13.31.
Variant type: single nucleotide variant.
Coding change: c.517G>T on transcript NM_144670.6 (MANE Select); coding-DNA position 517, G replaced by T.
Protein change: p.Glu173Ter; replaces glutamic acid 173 with a stop codon.
Molecular consequence: nonsense.
Genome position (GRCh38, 1-based): chr12:8,835,540, G>T. VCF-style: chr12-8835540-G-T. GRCh37 (hg19) VCF-style: chr12-8988136-G-T.
Other names: short protein forms E173*.
Identifiers: ClinVar variation 3667904 (VCV003667904.2).

ClinVar aggregate classification (germline): Uncertain significance (1 of 4 stars; one submission).

gnomAD v4.1: 1 of 1,614,176 alleles (0.000062%); highest among the groups gnomAD compares: Non-Finnish European, 0.000085%; no homozygotes.

Submission:

Labcorp Genetics (formerly Invitae), Labcorp
Classification: Uncertain significance. Last evaluated: 2024-05-26. Review status: criteria provided, single submitter. Criteria: Invitae Variant Classification Sherloc (09022015). Collection method: clinical testing. Allele origin: germline.
Comment: This sequence change creates a premature translational stop signal (p.Glu173*) in the A2ML1 gene. It is expected to result in an absent or disrupted protein product. However, the current clinical and genetic evidence is not sufficient to establish whether loss-of-function variants in A2ML1 cause disease. This variant is not present in population databases (gnomAD no frequency). This variant has not been reported in the literature in individuals affected with A2ML1-related conditions. Algorithms developed to predict the effect of sequence changes on RNA splicing suggest that this variant may disrupt the consensus splice site. In summary, the available evidence is currently insufficient to determine the role of this variant in disease. Therefore, it has been classified as a Variant of Uncertain Significance.